The following is an entry in ClinVar:

ClinVar aggregate classification (germline): Uncertain significance (1 of 4 stars; one submission).

gnomAD v4.1: 9 of 1,613,290 alleles (0.00056%); highest among the groups gnomAD compares: African/African-American, 0.0013%; no homozygotes.

Submission:

Ambry Genetics
Classification: Uncertain significance. Last evaluated: 2024-11-22. Review status: criteria provided, single submitter. Criteria: Ambry Variant Classification Scheme 2023. Collection method: clinical testing. Allele origin: germline.
Comment: The p.P1332S variant (also known as c.3994C>T), located in coding exon 18 of the WNK2 gene, results from a C to T substitution at nucleotide position 3994. The proline at codon 1332 is replaced by serine, an amino acid with similar properties. This amino acid position is conserved. In addition, this alteration is predicted to be tolerated by in silico analysis. Based on the available evidence, the clinical significance of this variant remains unclear.

NM_006648.4(WNK2):c.3994C>T (p.Pro1332Ser)

Gene: WNK2 (WNK lysine deficient protein kinase 2; plus strand). Cytogenetic location: 9q22.31.
Variant type: single nucleotide variant.
Coding change: c.3994C>T on transcript NM_006648.4 (MANE Select); coding-DNA position 3994, C replaced by T.
Protein change: p.Pro1332Ser; replaces proline 1332 with serine.
Molecular consequence: missense variant.
Genome position (GRCh38, 1-based): chr9:93,268,707, C>T. VCF-style: chr9-93268707-C-T. GRCh37 (hg19) VCF-style: chr9-96030989-C-T.
Other names: c.3994C>T, p.Pro1332Ser (NM_001282394.3); short protein forms P1332S.
Identifiers: ClinVar variation 3470305 (VCV003470305.1).